The following is an entry in ClinVar:

ClinVar aggregate classification (germline): Uncertain significance (1 of 4 stars; one submission).

Allele frequency attached by ClinVar (database versions not stated): gnomAD exomes below 0.00001.

Submission:

Labcorp Genetics (formerly Invitae), Labcorp
Classification: Uncertain significance. Last evaluated: 2022-04-28. Review status: criteria provided, single submitter. Criteria: Invitae Variant Classification Sherloc (09022015). Collection method: clinical testing. Allele origin: germline.
Comment: This sequence change replaces tryptophan, which is neutral and slightly polar, with serine, which is neutral and polar, at codon 199 of the LRRC10 protein (p.Trp199Ser). This variant is not present in population databases (gnomAD no frequency). This variant has not been reported in the literature in individuals affected with LRRC10-related conditions. ClinVar contains an entry for this variant (Variation ID: 655328). Algorithms developed to predict the effect of missense changes on protein structure and function are either unavailable or do not agree on the potential impact of this missense change (SIFT: "Deleterious"; PolyPhen-2: "Benign"; Align-GVGD: "Class C0"). In summary, the available evidence is currently insufficient to determine the role of this variant in disease. Therefore, it has been classified as a Variant of Uncertain Significance.

NM_201550.4(LRRC10):c.596G>C (p.Trp199Ser)

Gene: LRRC10 (leucine rich repeat containing 10; minus strand). Cytogenetic location: 12q15.
Variant type: single nucleotide variant.
Coding change: c.596G>C on transcript NM_201550.4 (MANE Select); coding-DNA position 596, G replaced by C.
Protein change: p.Trp199Ser; replaces tryptophan 199 with serine.
Molecular consequence: missense variant.
Genome position (GRCh38, 1-based): chr12:69,610,243, C>G on the plus strand (G>C on the coding strand, the complement: LRRC10 is on the minus strand). VCF-style: chr12-69610243-C-G. GRCh37 (hg19) VCF-style: chr12-70004023-C-G.
Other names: short protein forms W199S.
Identifiers: ClinVar variation 655328 (VCV000655328.6), dbSNP rs1593107499, ClinGen allele CA385735946.
Genomic context (GRCh38, chr12:69,610,243, plus strand): 5'-TAGATGACCAGCTTCAGACTTGACAGGTGCGCCAGGCTGGGGAAGTAACGGATGCTGTTC[C>G]AGTCCACATCAATCACCTCCAGGAAGGGCATGTGAAGCAGCACAGTGGGAAAGTCAGTTA-3'
Protein context (NP_963844.2, residues 189-209): MPFLEVIDVD[Trp199Ser]NSIRYFPSLA